The following is an entry in ClinVar:

ClinVar aggregate classification (germline): Uncertain significance. Review status: criteria provided, single submitter (1 of 4 stars). 2 submissions from 2 submitters: Uncertain significance (1). 1 of the submissions does not count toward it. Last evaluated 2021-08-28.

Conditions:
Familial dysautonomia. Also called: HSAN III; FD. Identifiers: Orphanet 1764, MedGen C0013364, MONDO:0009131, OMIM 223900. Disease mechanism: loss of function.

Allele frequency attached by ClinVar (database versions not stated): ExAC 0.00001; gnomAD exomes 0.00001.
gnomAD v4.1: 4 of 1,613,956 alleles (0.00025%); highest among the groups gnomAD compares: East Asian, 0.0022%; no homozygotes.

Submissions (2):

Labcorp Genetics (formerly Invitae), Labcorp
Classification: Uncertain significance. Last evaluated: 2021-08-28. Review status: criteria provided, single submitter. Criteria: Invitae Variant Classification Sherloc (09022015). Collection method: clinical testing. Allele origin: germline.
Comment: This sequence change replaces alanine with serine at codon 392 of the ELP1 protein (p.Ala392Ser). The alanine residue is moderately conserved and there is a moderate physicochemical difference between alanine and serine. This variant is present in population databases (rs771123534, ExAC 0.001%). This variant has not been reported in the literature in individuals affected with ELP1-related conditions. Algorithms developed to predict the effect of missense changes on protein structure and function are either unavailable or do not agree on the potential impact of this missense change (SIFT: "Tolerated"; PolyPhen-2: "Probably Damaging"; Align-GVGD: "Class C0"). In summary, the available evidence is currently insufficient to determine the role of this variant in disease. Therefore, it has been classified as a Variant of Uncertain Significance.

Natera, Inc.
Classification: Uncertain significance for Familial dysautonomia. Last evaluated: 2020-09-16. Review status: no assertion criteria provided. Collection method: clinical testing. Allele origin: germline. Not counted in ClinVar's aggregate classification.

NM_003640.5(ELP1):c.1174G>T (p.Ala392Ser)

Gene: ELP1 (elongator acetyltransferase complex subunit 1; minus strand). Cytogenetic location: 9q31.3.
Variant type: single nucleotide variant.
Coding change: c.1174G>T on transcript NM_003640.5 (MANE Select); coding-DNA position 1174, G replaced by T.
Protein change: p.Ala392Ser; replaces alanine 392 with serine.
Molecular consequence: missense variant.
Genome position (GRCh38, 1-based): chr9:108,912,279, C>A on the plus strand (G>T on the coding strand, the complement: ELP1 is on the minus strand). VCF-style: chr9-108912279-C-A. GRCh37 (hg19) VCF-style: chr9-111674559-C-A.
Other names: c.832G>T, p.Ala278Ser (NM_001318360.2); c.127G>T, p.Ala43Ser (NM_001330749.2); short protein forms A278S, A43S, A392S.
Identifiers: ClinVar variation 852383 (VCV000852383.7), dbSNP rs771123534, ClinGen allele CA5175099.